The following is an entry in ClinVar:

ClinVar aggregate classification (germline): Likely benign. Review status: criteria provided, multiple submitters, no conflicts (2 of 4 stars). 3 submissions from 3 submitters: Likely benign (3). Last evaluated 2024-09-01.

Conditions:
Wilson disease (WND). Also called: Wilson's disease. Identifiers: Orphanet 905, MedGen C0019202, MONDO:0010200, OMIM 277900. Disease mechanism: loss of function.

Allele frequency attached by ClinVar (database versions not stated): gnomAD 0.00001; ExAC 0.00002; gnomAD exomes 0.00002; ESP Exome Variant Server 0.00008.
gnomAD v4.1: 15 of 1,613,960 alleles (0.00093%); highest among the groups gnomAD compares: South Asian, 0.0077%; no homozygotes.

Submissions (3):

Labcorp Genetics (formerly Invitae), Labcorp
Classification: Likely benign for Wilson disease. Last evaluated: 2024-09-01. Review status: criteria provided, single submitter. Criteria: Invitae Variant Classification Sherloc (09022015). Collection method: clinical testing. Allele origin: germline.

All of Us Research Program, National Institutes of Health
Classification: Likely benign for Wilson disease. Last evaluated: 2023-12-13. Review status: criteria provided, single submitter. Criteria: ACMG Guidelines, 2015. Collection method: clinical testing. Allele origin: germline. Inheritance: Autosomal recessive inheritance. Observed: 4 variant alleles, 4 heterozygotes.
Comment: This study involves interpretation of variants in research participants for the purpose of population health screening. Participant phenotype was not available at the time of variant classification. Additional details can be found in publication PMID: 35346344, PMCID: PMC8962531

Color Diagnostics, LLC DBA Color Health
Classification: Likely benign for Wilson disease. Last evaluated: 2022-04-22. Review status: criteria provided, single submitter. Criteria: ACMG Guidelines, 2015. Collection method: clinical testing. Allele origin: germline.

NM_000053.4(ATP7B):c.2412C>T (p.Thr804=)

Gene: ATP7B (ATPase copper transporting beta; minus strand). Cytogenetic location: 13q14.3.
Variant type: single nucleotide variant.
Coding change: c.2412C>T on transcript NM_000053.4 (MANE Select); coding-DNA position 2412, C replaced by T.
Protein change: p.Thr804=; no amino-acid change (threonine 804 retained).
Molecular consequence: synonymous variant.
Genome position (GRCh38, 1-based): chr13:51,957,551, G>A on the plus strand (C>T on the coding strand, the complement: ATP7B is on the minus strand). VCF-style: chr13-51957551-G-A. GRCh37 (hg19) VCF-style: chr13-52531687-G-A.
Other names: c.1926C>T, p.Thr642= (NM_001005918.3); c.2079C>T, p.Thr693= (NM_001243182.2); c.2178C>T, p.Thr726= (NM_001330578.2); c.2160C>T, p.Thr720= (NM_001330579.2).
Identifiers: ClinVar variation 1153239 (VCV001153239.10), dbSNP rs372306234, ClinGen allele CA6989035.